The following is an entry in ClinVar:

ClinVar aggregate classification (germline): Uncertain significance (1 of 4 stars; one submission).

Submission:

GeneDx
Classification: Uncertain significance. Last evaluated: 2025-03-07. Review status: criteria provided, single submitter. Criteria: GeneDx Variant Classification Process June 2021. Collection method: clinical testing. Allele origin: germline. Affected: yes.
Comment: Not observed at significant frequency in large population cohorts (gnomAD); In silico analysis supports that this missense variant has a deleterious effect on protein structure/function; Has not been previously published as pathogenic or benign to our knowledge

NM_001162501.2(TNRC6B):c.3293A>G (p.Asp1098Gly)

Gene: TNRC6B (trinucleotide repeat containing adaptor 6B; plus strand). Cytogenetic location: 22q13.1.
Variant type: single nucleotide variant.
Coding change: c.3293A>G on transcript NM_001162501.2 (MANE Select); coding-DNA position 3293, A replaced by G.
Protein change: p.Asp1098Gly; replaces aspartic acid 1098 with glycine.
Molecular consequence: missense variant.
Genome position (GRCh38, 1-based): chr22:40,280,025, A>G. VCF-style: chr22-40280025-A-G. GRCh37 (hg19) VCF-style: chr22-40676029-A-G.
Other names: c.1052A>G, p.Asp351Gly (NM_001024843.2); c.3134A>G, p.Asp1045Gly (NM_015088.3); short protein forms D1045G, D1098G, D351G.
Identifiers: ClinVar variation 4082755 (VCV004082755.1).